The following is an entry in ClinVar:

NM_007325.5(GRIA3):c.2053G>A (p.Gly685Ser)

Gene: GRIA3 (glutamate ionotropic receptor AMPA type subunit 3; plus strand). Cytogenetic location: Xq25.
Variant type: single nucleotide variant.
Coding change: c.2053G>A on transcript NM_007325.5 (MANE Select); coding-DNA position 2053, G replaced by A.
Protein change: p.Gly685Ser; replaces glycine 685 with serine.
Molecular consequence: missense variant.
Genome position (GRCh38, 1-based): chrX:123,428,116, G>A. VCF-style: chrX-123428116-G-A. GRCh37 (hg19) VCF-style: chrX-122561967-G-A.
Other names: c.2053G>A, p.Gly685Ser (NM_000828.5); short protein forms G685S.
Identifiers: ClinVar variation 3703408 (VCV003703408.2).

ClinVar aggregate classification (germline): Uncertain significance (1 of 4 stars; one submission).

Submission:

Labcorp Genetics (formerly Invitae), Labcorp
Classification: Uncertain significance. Last evaluated: 2025-02-17. Review status: criteria provided, single submitter. Criteria: Invitae Variant Classification Sherloc (09022015). Collection method: clinical testing. Allele origin: germline.
Comment: This sequence change replaces glycine, which is neutral and non-polar, with serine, which is neutral and polar, at codon 685 of the GRIA3 protein (p.Gly685Ser). This variant is not present in population databases (gnomAD no frequency). This variant has not been reported in the literature in individuals affected with GRIA3-related conditions. Invitae Evidence Modeling of protein sequence and biophysical properties (such as structural, functional, and spatial information, amino acid conservation, physicochemical variation, residue mobility, and thermodynamic stability) indicates that this missense variant is not expected to disrupt GRIA3 protein function with a negative predictive value of 80%. In summary, the available evidence is currently insufficient to determine the role of this variant in disease. Therefore, it has been classified as a Variant of Uncertain Significance.